The following is an entry in ClinVar:

NM_020719.3(PRR12):c.5296C>T (p.Arg1766Trp)

Gene: PRR12 (proline rich 12; plus strand). Cytogenetic location: 19q13.33.
Variant type: single nucleotide variant.
Coding change: c.5296C>T on transcript NM_020719.3 (MANE Select); coding-DNA position 5296, C replaced by T.
Protein change: p.Arg1766Trp; replaces arginine 1766 with tryptophan.
Molecular consequence: missense variant.
Genome position (GRCh38, 1-based): chr19:49,616,018, C>T. VCF-style: chr19-49616018-C-T. GRCh37 (hg19) VCF-style: chr19-50119275-C-T.
Other names: short protein forms R1766W.
Identifiers: ClinVar variation 4849149 (VCV004849149.1).

ClinVar aggregate classification (germline): Uncertain significance (1 of 4 stars; one submission).

gnomAD v4.1: 5 of 1,553,612 alleles (0.00032%); highest among the groups gnomAD compares: South Asian, 0.0012%; no homozygotes.

Submission:

Women's Health and Genetics/Laboratory Corporation of America, LabCorp
Classification: Uncertain significance. Last evaluated: 2026-04-22. Review status: criteria provided, single submitter. Criteria: LabCorp Variant Classification Summary - May 2015. Collection method: clinical testing. Allele origin: germline.
Comment: Variant summary: PRR12 c.5296C>T (p.Arg1766Trp) results in a non-conservative amino acid change in the encoded protein sequence. Algorithms developed to predict the effect of missense changes on protein structure and function are either unavailable or do not agree on the potential impact of this missense change. The variant was absent in 158734 control chromosomes. The available data on variant occurrences in the general population are insufficient to allow any conclusion about variant significance. To our knowledge, no occurrence of c.5296C>T in individuals affected with PRR12-related conditions and no experimental evidence demonstrating its impact on protein function have been reported. No submitters have cited clinical-significance assessments for this variant to ClinVar. Based on the evidence outlined above, the variant was classified as uncertain significance.